The following is an entry in ClinVar:

ClinVar aggregate classification (germline): Conflicting classifications of pathogenicity. Review status: criteria provided, conflicting classifications (1 of 4 stars). 6 submissions from 6 submitters: Uncertain significance (1); Benign (1); Likely benign (3). 1 of the submissions does not count toward it. Last evaluated 2025-09-03.

Conditions:
Tuberous sclerosis syndrome (TSC). Also called: Tuberous Sclerosis Complex; Tuberous sclerosis. Identifiers: Orphanet 805, MedGen C0041341, MONDO:0001734.
Tuberous sclerosis 2 (TSC2). Identifiers: Orphanet 805, MedGen C1860707, MONDO:0013199, OMIM 613254.
Hereditary cancer-predisposing syndrome. Also called: Tumor predisposition; Hereditary Cancer Syndrome; Neoplastic Syndromes, Hereditary; Hereditary neoplastic syndrome. Identifiers: Orphanet 140162, MedGen C0027672, MeSH D009386, MONDO:0015356.

Allele frequency attached by ClinVar (database versions not stated): gnomAD exomes below 0.00001; TOPMed 0.00004.
gnomAD v4.1: 3 of 1,614,172 alleles (0.00019%); highest among the groups gnomAD compares: African/African-American, 0.0013%; no homozygotes.

Submissions (6):

Labcorp Genetics (formerly Invitae), Labcorp
Classification: Benign for Tuberous sclerosis 2. Last evaluated: 2025-09-03. Review status: criteria provided, single submitter. Criteria: Invitae Variant Classification Sherloc (09022015). Collection method: clinical testing. Allele origin: germline.

Cambridge Genomics Laboratory, East Genomic Laboratory Hub, NHS Genomic Medicine Service
Classification: Likely benign for Tuberous sclerosis. Last evaluated: 2024-05-30. Review status: criteria provided, single submitter. Criteria: ACGS Best Practice Guidelines for Variant Classification in Rare Disease 2020. Collection method: clinical testing. Allele origin: germline. Affected: yes.
Comment: BS3,BP4,BP5

All of Us Research Program, National Institutes of Health
Classification: Uncertain significance for Tuberous sclerosis syndrome. Last evaluated: 2023-12-18. Review status: criteria provided, single submitter. Criteria: ACMG Guidelines, 2015. Collection method: clinical testing. Allele origin: germline. Inheritance: Autosomal dominant inheritance. Observed: 1 variant allele, 1 heterozygote.
Comment: This missense variant replaces glutamic acid with lysine at codon 114 of the TSC2 protein. Computational prediction suggests that this variant may not impact protein structure and function (internally defined REVEL score threshold <= 0.5, PMID: 27666373). A functional study demonstrated no effect on TSC1 or TSC2 protein abundance, or on TSC1-TSC2 dependent inhibition of TORC1 activity (PMID: 22903760). This variant has been reported in an individual with suspected tuberous sclerosis complex (PMID: 22903760). This variant has not been identified in the general population by the Genome Aggregation Database (gnomAD). The available evidence is insufficient to determine the role of this variant in disease conclusively. Therefore, this variant is classified as a Variant of Uncertain Significance.

This study involves interpretation of variants in research participants for the purpose of population health screening. Participant phenotype was not available at the time of variant classification. Additional details can be found in publication PMID: 35346344, PMCID: PMC8962531

Genome-Nilou Lab
Classification: Likely benign for Tuberous sclerosis 2. Last evaluated: 2021-11-07. Review status: criteria provided, single submitter. Criteria: ACMG Guidelines, 2015. Collection method: clinical testing. Allele origin: germline. Affected: no.

Ambry Genetics
Classification: Likely benign for Hereditary cancer-predisposing syndrome. Last evaluated: 2021-01-22. Review status: criteria provided, single submitter. Criteria: Ambry Variant Classification Scheme 2023. Collection method: clinical testing. Allele origin: germline.

Tuberous sclerosis database (TSC2)
No classification provided. Condition: TSC. Review status: no classification provided. Criteria: Tuberous Sclerosis Database Assertion Criteria 2015. Collection method: curation. Allele origin: germline. Affected: yes. Not counted in ClinVar's aggregate classification.

Literature cited by the submitters: PubMed 22903760 (cited by All of Us Research Program, National Institutes of Health and Ambry Genetics).

NM_000548.5(TSC2):c.340G>A (p.Glu114Lys)

Gene: TSC2 (TSC complex subunit 2; plus strand). Cytogenetic location: 16p13.3.
Variant type: single nucleotide variant.
Coding change: c.340G>A on transcript NM_000548.5 (MANE Select); coding-DNA position 340, G replaced by A.
Protein change: p.Glu114Lys; replaces glutamic acid 114 with lysine.
Molecular consequence: missense variant. On other transcripts: intron variant (1).
Genome position (GRCh38, 1-based): chr16:2,054,299, G>A. VCF-style: chr16-2054299-G-A. GRCh37 (hg19) VCF-style: chr16-2104300-G-A.
Other names: c.340G>A, p.Glu114Lys (NM_001077183.3, NM_001114382.3, NM_001363528.2 and 3 more transcripts); c.229G>A, p.Glu77Lys (NM_001318827.2); c.193G>A, p.Glu65Lys (NM_001318829.2); c.373G>A, p.Glu125Lys (NM_001318832.2); c.-1-1897G>A (NM_001318831.2); short protein forms E114K, E125K, E77K, E65K.
Identifiers: ClinVar variation 65349 (VCV000065349.19), dbSNP rs397515021, ClinGen allele CA019111.